The following is an entry in ClinVar:

NM_001378328.1(CELSR1):c.4667T>C (p.Val1556Ala)

Gene: CELSR1 (cadherin EGF LAG seven-pass G-type receptor 1; minus strand). Cytogenetic location: 22q13.31.
Variant type: single nucleotide variant.
Coding change: c.4667T>C on transcript NM_001378328.1 (MANE Select); coding-DNA position 4667, T replaced by C.
Protein change: p.Val1556Ala; replaces valine 1556 with alanine.
Molecular consequence: missense variant.
Genome position (GRCh38, 1-based): chr22:46,411,704, A>G on the plus strand (T>C on the coding strand, the complement: CELSR1 is on the minus strand). VCF-style: chr22-46411704-A-G. GRCh37 (hg19) VCF-style: chr22-46807601-A-G.
Other names: c.4667T>C, p.Val1556Ala (NM_014246.4); short protein forms V1556A.
Identifiers: ClinVar variation 3572842 (VCV003572842.1).

ClinVar aggregate classification (germline): Uncertain significance (1 of 4 stars; one submission).

Submission:

GeneDx
Classification: Uncertain significance. Last evaluated: 2024-07-10. Review status: criteria provided, single submitter. Criteria: GeneDx Variant Classification Process June 2021. Collection method: clinical testing. Allele origin: germline. Affected: yes.
Comment: Not observed at significant frequency in large population cohorts (gnomAD); In silico analysis supports that this missense variant has a deleterious effect on protein structure/function; Has not been previously published as pathogenic or benign to our knowledge